The following is an entry in ClinVar:

NM_032888.4(COL27A1):c.2036G>A (p.Gly679Glu)

Gene: COL27A1 (collagen type XXVII alpha 1 chain; plus strand). Cytogenetic location: 9q32.
Variant type: single nucleotide variant.
Coding change: c.2036G>A on transcript NM_032888.4 (MANE Select); coding-DNA position 2036, G replaced by A.
Protein change: p.Gly679Glu; replaces glycine 679 with glutamic acid.
Molecular consequence: missense variant.
Genome position (GRCh38, 1-based): chr9:114,194,423, G>A. VCF-style: chr9-114194423-G-A. GRCh37 (hg19) VCF-style: chr9-116956703-G-A.
Other names: short protein forms G679E.
Identifiers: ClinVar variation 4739334 (VCV004739334.1).

ClinVar aggregate classification (germline): Uncertain significance (1 of 4 stars; one submission).

Submission:

Labcorp Genetics (formerly Invitae), Labcorp
Classification: Uncertain significance. Last evaluated: 2025-09-01. Review status: criteria provided, single submitter. Criteria: Invitae Variant Classification Sherloc (09022015). Collection method: clinical testing. Allele origin: germline.
Comment: This sequence change replaces glycine, which is neutral and non-polar, with glutamic acid, which is acidic and polar, at codon 679 of the COL27A1 protein (p.Gly679Glu). This variant is present in population databases (no rsID available, gnomAD 0.003%). This variant has not been reported in the literature in individuals affected with COL27A1-related conditions. Invitae Evidence Modeling of protein sequence and biophysical properties (such as structural, functional, and spatial information, amino acid conservation, physicochemical variation, residue mobility, and thermodynamic stability) indicates that this missense variant is expected to disrupt COL27A1 protein function with a positive predictive value of 80%. In summary, the available evidence is currently insufficient to determine the role of this variant in disease. Therefore, it has been classified as a Variant of Uncertain Significance.